The following is an entry in ClinVar:

ClinVar aggregate classification (germline): Uncertain significance. Review status: criteria provided, multiple submitters, no conflicts (2 of 4 stars). 4 submissions from 4 submitters: Uncertain significance (4). Last evaluated 2025-01-22.

Conditions:
Familial cancer of breast. Also called: hereditary breast carcinoma; BREAST CANCER, FAMILIAL; Hereditary breast cancer. Identifiers: Orphanet 227535, MedGen C0346153, MONDO:0016419, OMIM 114480. Disease mechanism: loss of function.
Pancreatic cancer, susceptibility to, 3. Identifiers: Orphanet 1333, MedGen C3150547, MONDO:0013236, OMIM 613348.
Fanconi anemia complementation group N. Also called: PALB2-Related Fanconi Anemia. Identifiers: Orphanet 84, MedGen C1835817, MONDO:0012565, OMIM 610832. Disease mechanism: loss of function.
Hereditary cancer-predisposing syndrome. Also called: Neoplastic Syndromes, Hereditary; Hereditary Cancer Syndrome; Hereditary neoplastic syndrome; Tumor predisposition. Identifiers: Orphanet 140162, MedGen C0027672, MeSH D009386, MONDO:0015356.

Submissions (4):

Labcorp Genetics (formerly Invitae), Labcorp
Classification: Uncertain significance for Familial cancer of breast. Last evaluated: 2025-01-22. Review status: criteria provided, single submitter. Criteria: Invitae Variant Classification Sherloc (09022015). Collection method: clinical testing. Allele origin: germline.
Comment: This sequence change replaces tyrosine, which is neutral and polar, with isoleucine, which is neutral and non-polar, at codon 929 of the PALB2 protein (p.Tyr929Ile). Information on the frequency of this variant in the gnomAD database is not available, as this variant may be reported differently in the database. This variant has not been reported in the literature in individuals affected with PALB2-related conditions. ClinVar contains an entry for this variant (Variation ID: 641703). An algorithm developed to predict the effect of missense changes on protein structure and function (PolyPhen-2) suggests that this variant is likely to be tolerated. In summary, the available evidence is currently insufficient to determine the role of this variant in disease. Therefore, it has been classified as a Variant of Uncertain Significance.

Baylor Genetics
Classification: Uncertain significance for Familial cancer of breast. Last evaluated: 2023-06-25. Review status: criteria provided, single submitter. Criteria: ACMG Guidelines, 2015. Collection method: clinical testing. Allele origin: unknown.

Fulgent Genetics
Classification: Uncertain significance for Familial cancer of breast; Fanconi anemia complementation group N; Pancreatic cancer, susceptibility to, 3. Last evaluated: 2021-10-08. Review status: criteria provided, single submitter. Criteria: ACMG Guidelines, 2015. Collection method: clinical testing. Allele origin: unknown.

Ambry Genetics
Classification: Uncertain significance for Hereditary cancer-predisposing syndrome. Last evaluated: 2021-02-23. Review status: criteria provided, single submitter. Criteria: Ambry Variant Classification Scheme 2023. Collection method: clinical testing. Allele origin: germline.
Comment: The c.2785_2786delTAinsAT variant (also known as p.Y929I), located in coding exon 8 of the PALB2 gene, results from an in-frame deletion of TA and insertion of AT at nucleotide positions 2785 to 2786. This results in the substitution of the tyrosine residue for an isoleucine residue at codon 929, an amino acid with highly similar properties. This amino acid position is not well conserved in available vertebrate species. In addition, this alteration is predicted to be neutral by in silico analysis (Choi Y et al. PLoS ONE. 2012; 7(10):e46688). Since supporting evidence is limited at this time, the clinical significance of this alteration remains unclear.

NM_024675.4(PALB2):c.2785_2786delinsAT (p.Tyr929Ile)

Gene: PALB2 (partner and localizer of BRCA2; minus strand). Cytogenetic location: 16p12.2.
Variant type: Indel.
Coding change: c.2785_2786delinsAT on transcript NM_024675.4 (MANE Select); coding-DNA positions 2785 to 2786, TA replaced by AT.
Protein change: p.Tyr929Ile; replaces tyrosine 929 with isoleucine.
Molecular consequence: missense variant.
Genome position (GRCh38, 1-based): chr16:23,624,057-23,624,058, TA replaced by AT on the plus strand (TA replaced by AT on the coding strand, the reverse complement: PALB2 is on the minus strand). VCF-style: chr16-23624057-TA-AT. GRCh37 (hg19) VCF-style: chr16-23635378-TA-AT.
Other names: c.2785_2786delTAinsAT (NM_024675.3); short protein forms Y929I.
Identifiers: ClinVar variation 641703 (VCV000641703.14), dbSNP rs1597082795, ClinGen allele CA915949172.